The following is an entry in ClinVar:

ClinVar aggregate classification (germline): Benign/Likely benign. Review status: criteria provided, multiple submitters, no conflicts (2 of 4 stars). 3 submissions from 3 submitters: Benign (1); Likely benign (2). Last evaluated 2025-08-13.

Conditions:
Birt-Hogg-Dube syndrome. Also called: Birt Hogg Dubé syndrome. Identifiers: Orphanet 122, MedGen C0346010, MONDO:0800444.
Hereditary cancer-predisposing syndrome. Also called: Hereditary neoplastic syndrome; Tumor predisposition; Neoplastic Syndromes, Hereditary; Hereditary Cancer Syndrome. Identifiers: Orphanet 140162, MedGen C0027672, MeSH D009386, MONDO:0015356.
Birt-Hogg-Dube syndrome 1 (BHD1). Also called: FIBROFOLLICULOMAS WITH TRICHODISCOMAS AND ACROCHORDONS. Identifiers: Orphanet 122, MedGen CN375946, MONDO:0800445, OMIM 135150.

Allele frequency attached by ClinVar (database versions not stated): gnomAD 0.00001; gnomAD exomes 0.00001 and 0.00002; ExAC 0.00003.
gnomAD v4.1: 12 of 1,610,892 alleles (0.00074%); highest among the groups gnomAD compares: South Asian, 0.011%; no homozygotes.

Submissions (3):

Labcorp Genetics (formerly Invitae), Labcorp
Classification: Likely benign for Birt-Hogg-Dube syndrome. Last evaluated: 2025-08-13. Review status: criteria provided, single submitter. Criteria: Invitae Variant Classification Sherloc (09022015). Collection method: clinical testing. Allele origin: germline.

Myriad Genetics, Inc.
Classification: Benign for Birt-Hogg-Dube syndrome 1. Last evaluated: 2024-10-23. Review status: criteria provided, single submitter. Criteria: Myriad Autosomal Dominant, Autosomal Recessive and X-Linked Classification Criteria (2023). Collection method: clinical testing. Allele origin: unknown.
Comment: This variant is considered benign. This variant is a silent/synonymous amino acid change and it is not expected to impact splicing.

Ambry Genetics
Classification: Likely benign for Hereditary cancer-predisposing syndrome. Last evaluated: 2024-04-28. Review status: criteria provided, single submitter. Criteria: Ambry Variant Classification Scheme 2023. Collection method: clinical testing. Allele origin: germline.

NM_144997.7(FLCN):c.819C>T (p.Leu273=)

Gene: FLCN (folliculin; minus strand). Cytogenetic location: 17p11.2.
Variant type: single nucleotide variant.
Coding change: c.819C>T on transcript NM_144997.7 (MANE Select); coding-DNA position 819, C replaced by T.
Protein change: p.Leu273=; no amino-acid change (leucine 273 retained).
Molecular consequence: synonymous variant.
Genome position (GRCh38, 1-based): chr17:17,221,589, G>A on the plus strand (C>T on the coding strand, the complement: FLCN is on the minus strand). VCF-style: chr17-17221589-G-A. GRCh37 (hg19) VCF-style: chr17-17124903-G-A.
Other names: c.819C>T (NM_144997.5); c.873C>T, p.Leu291= (NM_001353229.2); c.819C>T, p.Leu273= (NM_001353230.2, NM_001353231.2, NM_144606.7).
Identifiers: ClinVar variation 1140529 (VCV001140529.9), dbSNP rs749057444, ClinGen allele CA8416282.